The following is an entry in ClinVar:

NM_000391.4(TPP1):c.965C>T (p.Thr322Ile)

Gene: TPP1 (tripeptidyl peptidase 1; minus strand). Cytogenetic location: 11p15.4.
Variant type: single nucleotide variant.
Coding change: c.965C>T on transcript NM_000391.4 (MANE Select); coding-DNA position 965, C replaced by T.
Protein change: p.Thr322Ile; replaces threonine 322 with isoleucine.
Molecular consequence: missense variant.
Genome position (GRCh38, 1-based): chr11:6,616,425, G>A on the plus strand (C>T on the coding strand, the complement: TPP1 is on the minus strand). VCF-style: chr11-6616425-G-A. GRCh37 (hg19) VCF-style: chr11-6637656-G-A.
Other names: short protein forms T322I.
Identifiers: ClinVar variation 969895 (VCV000969895.8), dbSNP rs773946638, ClinGen allele CA5858799.

ClinVar aggregate classification (germline): Uncertain significance. Review status: criteria provided, single submitter (1 of 4 stars). 2 submissions from 2 submitters: Uncertain significance (1). 1 of the submissions does not count toward it. Last evaluated 2022-10-13.

Conditions:
Neuronal ceroid lipofuscinosis 2. Also called: TPP1-Related Neuronal Ceroid-Lipofuscinosis; JANSKY-BIELSCHOWSKY DISEASE NEURONAL CEROID LIPOFUSCINOSIS, LATE INFANTILE. Identifiers: Orphanet 168491, Orphanet 228349, Orphanet 79264, MedGen C1876161, MONDO:0008769, OMIM 204500.

Allele frequency attached by ClinVar (database versions not stated): ExAC 0.00001; TOPMed 0.00001; gnomAD exomes 0.00002 and 0.00003.
gnomAD v4.1: 41 of 1,613,858 alleles (0.0025%); highest among the groups gnomAD compares: Non-Finnish European, 0.0034%; no homozygotes.

Submissions (2):

Labcorp Genetics (formerly Invitae), Labcorp
Classification: Uncertain significance. Last evaluated: 2022-10-13. Review status: criteria provided, single submitter. Criteria: Invitae Variant Classification Sherloc (09022015). Collection method: clinical testing. Allele origin: germline.
Comment: This sequence change replaces threonine, which is neutral and polar, with isoleucine, which is neutral and non-polar, at codon 322 of the TPP1 protein (p.Thr322Ile). This variant is present in population databases (rs773946638, gnomAD 0.004%). This variant has not been reported in the literature in individuals affected with TPP1-related conditions. ClinVar contains an entry for this variant (Variation ID: 969895). Advanced modeling of protein sequence and biophysical properties (such as structural, functional, and spatial information, amino acid conservation, physicochemical variation, residue mobility, and thermodynamic stability) performed at Invitae indicates that this missense variant is expected to disrupt TPP1 protein function. In summary, the available evidence is currently insufficient to determine the role of this variant in disease. Therefore, it has been classified as a Variant of Uncertain Significance.

Natera, Inc.
Classification: Uncertain significance for Neuronal ceroid lipofuscinosis 2. Last evaluated: 2020-02-21. Review status: no assertion criteria provided. Collection method: clinical testing. Allele origin: germline. Not counted in ClinVar's aggregate classification.